The following is an entry in ClinVar:

ClinVar aggregate classification (germline): Pathogenic/Likely pathogenic. Review status: criteria provided, multiple submitters, no conflicts (2 of 4 stars). 8 submissions from 8 submitters: Pathogenic (6); Likely pathogenic (1). 1 of the submissions does not count toward it. Last evaluated 2026-01-31.

Conditions:
CASR-related disorder. Also called: CASR-related condition.
Familial hypocalciuric hypercalcemia (FHH). Also called: Familial benign hypercalcemia. Identifiers: Orphanet 405, MedGen C1809471, MONDO:0018458.
Autosomal dominant hypocalcemia 1 (HYPOC1). Also called: HYPOCALCEMIA, FAMILIAL. Identifiers: MedGen C3715128, MONDO:0011013, OMIM 601198.
Nephrolithiasis/nephrocalcinosis. Identifiers: MedGen CN580796.
Neonatal severe primary hyperparathyroidism. Identifiers: Orphanet 417, MedGen C1832615, MONDO:0009397, OMIM 239200.
Familial hypocalciuric hypercalcemia 1. Also called: Hypercalcemia, familial benign type 1. Identifiers: Orphanet 405, Orphanet 93372, MedGen C0342637, MONDO:0007791, OMIM 145980.
Epilepsy, idiopathic generalized, susceptibility to, 8. Identifiers: MedGen C2752062, MONDO:0013032, OMIM 612899.

Allele frequency attached by ClinVar (database versions not stated): gnomAD exomes below 0.00001; ExAC 0.00001.
gnomAD v4.1: 2 of 1,614,184 alleles (0.00012%); highest among the groups gnomAD compares: Non-Finnish European, 0.00017%; no homozygotes.

Submissions (8):

Labcorp Genetics (formerly Invitae), Labcorp
Classification: Pathogenic for Familial hypocalciuric hypercalcemia; Autosomal dominant hypocalcemia 1. Last evaluated: 2026-01-31. Review status: criteria provided, single submitter. Criteria: Invitae Variant Classification Sherloc (09022015). Collection method: clinical testing. Allele origin: germline.
Comment: This sequence change replaces arginine, which is basic and polar, with glutamine, which is neutral and polar, at codon 227 of the CASR protein (p.Arg227Gln). This variant is present in population databases (rs28936684, gnomAD 0.0009%). This missense change has been observed in individual(s) with familial hypocalciuric hypercalcemia (FHH) (PMID: 1302026, 7726161, 15572418, 22422767, 26963950). It has also been observed to segregate with disease in related individuals. Invitae Evidence Modeling of clinical and family history, age, sex, and reported ancestry of multiple individuals with this CASR variant has been performed. This variant is expected to be pathogenic with a positive predictive value of at least 99%. This is a validated machine learning model that incorporates the clinical features of 646,172 individuals referred to our laboratory for CASR testing. ClinVar contains an entry for this variant (Variation ID: 8331). An algorithm developed to predict the effect of missense changes on protein structure and function (PolyPhen-2) suggests that this variant is likely to be disruptive. Experimental studies have shown that this missense change affects CASR function (PMID: 19389809, 19759318, 23077345, 27666534). For these reasons, this variant has been classified as Pathogenic.

PreventionGenetics, part of Exact Sciences
Classification: Pathogenic for CASR-related condition. Last evaluated: 2025-09-24. Review status: criteria provided, single submitter. Criteria: ACMG Guidelines, 2015. Collection method: clinical testing. Allele origin: germline.
Comment: The CASR c.680G>A variant is predicted to result in the amino acid substitution p.Arg227Gln. This variant has been reported in multiple individuals with familial hypocalciuric hypocalcemia (FHH) (see for example: Chou et al. 1995. PubMed ID: 7726161; Wystrychowski et al. 2005. PubMed ID: 15572418; Hannan et al. 2012. PubMed ID: 22422767; Vargas-Poussou et al. 2016. PubMed ID: 26963950). Additionally, several in vitro experimental studies have demonstrated that CASR protein carrying the p.Arg227Gln variant has impaired sensitivity to elevated extracellular calcium levels relative to wild type (Wystrychowski et al. 2005. PubMed ID: 15572418; White et al. 2009. PubMed ID: 19389809; Grant et al. 2012. PubMed ID: 23077345; Glaudo et al. 2016. PubMed ID: 27666534). This variant is reported in 0.00088% of alleles in individuals of European (Non-Finnish) descent in gnomAD. Alternate nucleotide changes affecting the same amino acid (p.Arg227Leu, p.Arg227Gly) have also been reported as pathogenic in individuals with CASR-associated disease (Pearce et al. 1995. PubMed ID: 8675635; Glaudo et al. 2016. PubMed ID: 27666534). Taken together, the p.Arg227Gln variant is interpreted as pathogenic.

Ambry Genetics
Classification: Likely pathogenic for Nephrolithiasis/nephrocalcinosis. Last evaluated: 2023-08-08. Review status: criteria provided, single submitter. Criteria: Ambry Variant Classification Scheme 2023. Collection method: clinical testing. Allele origin: germline.
Comment: The p.R227Q variant (also known as c.680G>A), located in coding exon 3 of the CASR gene, results from a G to A substitution at nucleotide position 680. The arginine at codon 227 is replaced by glutamine, an amino acid with highly similar properties. This variant has been detected in two unrelated families with familial hypocalciuric hypercalcemia and segregated with affected individuals in these families (Chou YH et al. Am J Hum Genet, 1995 May;56:1075-9; Wystrychowski A et al. J Clin Endocrinol Metab, 2005 Feb;90:864-70). In vitro functional studies showed that cells expressing R227Q have decreased sensitivity to extracellular calcium concentrations (Wystrychowski A et al. J Clin Endocrinol Metab, 2005 Feb;90:864-70; Lu JY et al. J Pharmacol Exp Ther, 2009 Dec;331:775-86; Grant MP et al. Mol Endocrinol, 2012 Dec;26:2081-91; Glaudo M et al. Eur J Endocrinol, 2016 Nov;175:421-31). This amino acid position is not well conserved in available vertebrate species. In addition, the in silico prediction for this alteration is inconclusive. Based on the majority of available evidence to date, this variant is likely to be pathogenic.

Blueprint Genetics
Classification: Pathogenic for CASR-related disorders. Last evaluated: 2022-08-24. Review status: criteria provided, single submitter. Criteria: ACMG Guidelines, 2015. Collection method: clinical testing. Allele origin: germline. Affected: yes. Observed: 2 variant alleles.

Women's Health and Genetics/Laboratory Corporation of America, LabCorp
Classification: Pathogenic for Familial hypocalciuric hypercalcemia. Last evaluated: 2022-05-24. Review status: criteria provided, single submitter. Criteria: LabCorp Variant Classification Summary - May 2015. Collection method: clinical testing. Allele origin: germline.
Comment: Variant summary: CASR c.680G>A (p.Arg227Gln) results in a conservative amino acid change in the encoded protein sequence. Two of four in-silico tools predict a benign effect of the variant on protein function. The variant allele was found at a frequency of 4e-06 in 251070 control chromosomes (gnomAD and publication data). c.680G>A has been reported in the literature in multiple individuals affected with Familial Hypocalciuric Hypercalcemia (Chou_1992, Wystrychowski_2005, Glaudo_2016). These data indicate that the variant is very likely to be associated with disease. Functional studies report experimental evidence evaluating an impact on protein function and results in reducing ability to induce ERK1/2 phosphorylation (Wystrychowski_2005, White_2009, Glaudo_2016). Two ClinVar submitters (evaluation after 2014) cite the variant as pathogenic. Based on the evidence outlined above, the variant was classified as pathogenic.

Fulgent Genetics
Classification: Pathogenic for Familial hypocalciuric hypercalcemia 1; Neonatal severe primary hyperparathyroidism; Autosomal dominant hypocalcemia 1; Epilepsy, idiopathic generalized, susceptibility to, 8. Last evaluated: 2021-12-09. Review status: criteria provided, single submitter. Criteria: ACMG Guidelines, 2015. Collection method: clinical testing. Allele origin: unknown.

Athena Diagnostics
Classification: Pathogenic. Last evaluated: 2017-05-03. Review status: criteria provided, single submitter. Criteria: Athena Diagnostics Criteria. Collection method: clinical testing. Allele origin: germline.

OMIM
Classification: Pathogenic for HYPOCALCIURIC HYPERCALCEMIA, FAMILIAL, TYPE I. Last evaluated: 1995-05-01. Review status: no assertion criteria provided. Collection method: literature only. Allele origin: germline. Not counted in ClinVar's aggregate classification.

Literature cited by the submitters: PubMed 1302026 (cited by 4 submitters); PubMed 7726161 (cited by 5 submitters); PubMed 15572418 (cited by 4 submitters); PubMed 22422767 (cited by Labcorp Genetics (formerly Invitae), Labcorp); PubMed 26963950 (cited by Labcorp Genetics (formerly Invitae), Labcorp); PubMed 19389809 (cited by 4 submitters); PubMed 19759318 (cited by 3 submitters); PubMed 23077345 (cited by Labcorp Genetics (formerly Invitae), Labcorp and Ambry Genetics); PubMed 27666534 (cited by 4 submitters); PubMed 11013439 (cited by Women's Health and Genetics/Laboratory Corporation of America, LabCorp); PubMed 17473068 (cited by Women's Health and Genetics/Laboratory Corporation of America, LabCorp); PubMed 15699544 (cited by Women's Health and Genetics/Laboratory Corporation of America, LabCorp); PubMed 17478419 (cited by Women's Health and Genetics/Laboratory Corporation of America, LabCorp).

NM_000388.4(CASR):c.680G>A (p.Arg227Gln)

Gene: CASR (calcium sensing receptor; plus strand). Cytogenetic location: 3q21.1.
Variant type: single nucleotide variant.
Coding change: c.680G>A on transcript NM_000388.4 (MANE Select); coding-DNA position 680, G replaced by A.
Protein change: p.Arg227Gln; replaces arginine 227 with glutamine.
Molecular consequence: missense variant.
Genome position (GRCh38, 1-based): chr3:122,261,715, G>A. VCF-style: chr3-122261715-G-A. GRCh37 (hg19) VCF-style: chr3-121980562-G-A.
Other names: R228Q; c.680G>A (NM_001178065.1); c.680G>A, p.Arg227Gln (NM_001178065.2); short protein forms R227Q.
Identifiers: ClinVar variation 8331 (VCV000008331.16), dbSNP rs28936684, ClinGen allele CA212891.